The following is an entry in ClinVar:

ClinVar aggregate classification (germline): Uncertain significance (1 of 4 stars; one submission).

Submission:

GeneDx
Classification: Uncertain significance. Last evaluated: 2024-01-02. Review status: criteria provided, single submitter. Criteria: GeneDx Variant Classification Process June 2021. Collection method: clinical testing. Allele origin: germline. Affected: yes.
Comment: Not observed at significant frequency in large population cohorts (gnomAD); In-frame deletion of 4 amino acids in a non-repeat region; In silico analysis supports a deleterious effect on protein structure/function; Has not been previously published as pathogenic or benign to our knowledge

NM_014712.3(SETD1A):c.1197_1208del (p.Asn400_Glu403del)

Gene: SETD1A (SET domain containing 1A, histone lysine methyltransferase; plus strand). Cytogenetic location: 16p11.2.
Variant type: Deletion.
Coding change: c.1197_1208del on transcript NM_014712.3 (MANE Select); coding-DNA positions 1197 to 1208, 12 bases deleted (AAATACAGCTGA).
Protein change: p.Asn400_Glu403del.
Molecular consequence: inframe deletion.
Genome position (GRCh38, 1-based): chr16:30,964,939-30,964,950, AAATACAGCTGA deleted; deleting any 12 consecutive bases within chr16:30,964,934-30,964,950 gives the same sequence; the c. name uses the placement nearest the transcript's 3' end. VCF-style (leftmost placement, unchanged base first): chr16-30964933-TGCTGAAAATACA-T. GRCh37 (hg19) VCF-style: chr16-30976254-TGCTGAAAATACA-T.
Identifiers: ClinVar variation 3370273 (VCV003370273.1).